The following is an entry in ClinVar:

ClinVar aggregate classification (germline): Uncertain significance (0 of 4 stars; one submission).

Submission:

Clinical Genomics Laboratory, Stanford Medicine
Classification: Uncertain significance. Last evaluated: 2019-12-30. Review status: no assertion criteria provided. Collection method: clinical testing. Allele origin: germline. Affected: yes.
Comment: Computational tools predict that this variant is deleterious; however, the accuracy of in silico algorithms is limited. These data were assessed using the ACMG/AMP variant interpretation guidelines. In summary, the significance of the p.Val97Ala variant is uncertain; however, there is suspicion that this variant could be associated with an emerging HDAC2-associated disease due to this variant being identified de novo in this individual, and a different amino acid change (p.Val97Gly) at this residue being reported de novo in an individual with dysmorphic features and brain anomalies (P. Campeau, personal communication 2019). Additional information is needed to resolve the significance of this variant. [ACMG evidence codes used: PS2_supporting; PM2; PP3]

NM_001527.4(HDAC2):c.290T>C (p.Val97Ala)

Gene: HDAC2 (histone deacetylase 2; minus strand). Cytogenetic location: 6q21.
Variant type: single nucleotide variant.
Coding change: c.290T>C on transcript NM_001527.4 (MANE Select); coding-DNA position 290, T replaced by C.
Protein change: p.Val97Ala; replaces valine 97 with alanine.
Molecular consequence: missense variant. On other transcripts: non-coding transcript variant (2).
Genome position (GRCh38, 1-based): chr6:113,956,687, A>G on the plus strand (T>C on the coding strand, the complement: HDAC2 is on the minus strand). VCF-style: chr6-113956687-A-G. GRCh37 (hg19) VCF-style: chr6-114277851-A-G.
Other names: short protein forms V97A.
Identifiers: ClinVar variation 977282 (VCV000977282.1), dbSNP rs1776561731, ClinGen allele CA365526122.
Genomic context (GRCh38, chr6:113,956,687, plus strand): 5'-CCGCCAGTTGAGAGCTGACAAAACTCAAAGAGTCCATCAAACACTGGACAATCTTCTCCA[A>G]CATTAACTGTGGAAGATGGATTTCATTAATTTCAACACATTCTGCAAATTAATGAAAGCC-3'
Protein context (NP_001518.3, residues 87-107): EYSKQMQRFN[Val97Ala]GEDCPVFDGL